The following is an entry in ClinVar:

ClinVar aggregate classification (germline): Uncertain significance (1 of 4 stars; one submission).

Submission:

Labcorp Genetics (formerly Invitae), Labcorp
Classification: Uncertain significance. Last evaluated: 2023-07-17. Review status: criteria provided, single submitter. Criteria: Invitae Variant Classification Sherloc (09022015). Collection method: clinical testing. Allele origin: germline.
Comment: In summary, the available evidence is currently insufficient to determine the role of this variant in disease. Therefore, it has been classified as a Variant of Uncertain Significance. Experimental studies and prediction algorithms are not available or were not evaluated, and the functional significance of this variant is currently unknown. This variant has not been reported in the literature in individuals affected with ESCO2-related conditions. This variant is present in population databases (rs757199319, gnomAD 0.02%). This variant, c.411_413del, results in the deletion of 1 amino acid(s) of the ESCO2 protein (p.Asn137del), but otherwise preserves the integrity of the reading frame.

NM_001017420.3(ESCO2):c.408CAA[1] (p.Asn137del)

Gene: ESCO2 (establishment of sister chromatid cohesion N-acetyltransferase 2; plus strand). Cytogenetic location: 8p21.1.
Variant type: Microsatellite.
Coding change: c.408CAA[1] on transcript NM_001017420.3 (MANE Select); one copy of the 3-base unit CAA starting at c.408; the reference has two copies in a row; one copy, 3 bases deleted.
Protein change: p.Asn137del; deletes asparagine 137.
Molecular consequence: inframe deletion.
Genome position (GRCh38, 1-based): chr8:27,776,719-27,776,721, CAA deleted; deleting any 3 consecutive bases within chr8:27,776,714-27,776,721 gives the same sequence; the position shown is the placement nearest the transcript's 3' end. VCF-style (leftmost placement, unchanged base first): chr8-27776713-GAAC-G. GRCh37 (hg19) VCF-style: chr8-27634230-GAAC-G.
Other names: short protein forms N137del.
Identifiers: ClinVar variation 1355833 (VCV001355833.8), dbSNP rs757199319, ClinGen allele CA4692048.